The following is an entry in ClinVar:

NM_032043.3(BRIP1):c.1753G>T (p.Ala585Ser)

Gene: BRIP1 (BRCA1 interacting DNA helicase 1; minus strand). Cytogenetic location: 17q23.2.
Variant type: single nucleotide variant.
Coding change: c.1753G>T on transcript NM_032043.3 (MANE Select); coding-DNA position 1753, G replaced by T.
Protein change: p.Ala585Ser; replaces alanine 585 with serine.
Molecular consequence: missense variant.
Genome position (GRCh38, 1-based): chr17:61,780,881, C>A on the plus strand (G>T on the coding strand, the complement: BRIP1 is on the minus strand). VCF-style: chr17-61780881-C-A. GRCh37 (hg19) VCF-style: chr17-59858242-C-A.
Other names: short protein forms A585S.
Identifiers: ClinVar variation 3228095 (VCV003228095.1), dbSNP rs1603334364, ClinGen allele CA400480325.
Genomic context (GRCh38, chr17:61,780,881, plus strand): 5'-ATTTACATGATGAGCTTACCACAGCTGGATTTAAGCACCAAAAGTTTAGCACATGAACTG[C>A]AGTTTTCTGTCGTGAACGTTTCTTATTTTTTGGTAGAACCAACAACCCATTTTTGTCTGA-3'
Protein context (NP_114432.2, residues 575-595): KNKKRSRQKT[Ala585Ser]VHVLNFWCLN

ClinVar aggregate classification (germline): Uncertain significance (1 of 4 stars; one submission).

Conditions:
Hereditary cancer-predisposing syndrome. Also called: Neoplastic Syndromes, Hereditary; Tumor predisposition; Hereditary neoplastic syndrome; Hereditary Cancer Syndrome. Identifiers: Orphanet 140162, MedGen C0027672, MeSH D009386, MONDO:0015356.

Submission:

Ambry Genetics
Classification: Uncertain significance for Hereditary cancer-predisposing syndrome. Last evaluated: 2023-09-18. Review status: criteria provided, single submitter. Criteria: Ambry Variant Classification Scheme 2023. Collection method: clinical testing. Allele origin: germline.
Comment: The p.A585S variant (also known as c.1753G>T), located in coding exon 11 of the BRIP1 gene, results from a G to T substitution at nucleotide position 1753. The alanine at codon 585 is replaced by serine, an amino acid with similar properties. This amino acid position is not well conserved in available vertebrate species. In addition, this alteration is predicted to be tolerated by in silico analysis. Since supporting evidence is limited at this time, the clinical significance of this alteration remains unclear.